The following is an entry in ClinVar:

NM_001379200.1(TBX1):c.1320C>G (p.Ser440Arg)

Gene: TBX1 (T-box transcription factor 1; plus strand). Cytogenetic location: 22q11.21.
Variant type: single nucleotide variant.
Coding change: c.1320C>G on transcript NM_001379200.1 (MANE Select); coding-DNA position 1320, C replaced by G.
Protein change: p.Ser440Arg; replaces serine 440 with arginine.
Molecular consequence: missense variant. On other transcripts: intron variant (2).
Genome position (GRCh38, 1-based): chr22:19,766,672, C>G. VCF-style: chr22-19766672-C-G. GRCh37 (hg19) VCF-style: chr22-19754195-C-G.
Other names: c.1293C>G, p.Ser431Arg (NM_080647.1); c.1009+670C>G (NM_005992.1, NM_080646.2); short protein forms S431R, S440R.
Identifiers: ClinVar variation 1445550 (VCV001445550.12), dbSNP rs2145838985, ClinGen allele CA410684984.

ClinVar aggregate classification (germline): Uncertain significance. Review status: criteria provided, multiple submitters, no conflicts (2 of 4 stars). 3 submissions from 3 submitters: Uncertain significance (3). Last evaluated 2023-04-03.

Conditions:
Cardiovascular phenotype. Identifiers: MedGen CN230736.
DiGeorge syndrome. Also called: Catch22; THIRD AND FOURTH PHARYNGEAL POUCH SYNDROME. Identifiers: Orphanet 567, MedGen C0012236, MONDO:0008564, OMIM 188400.

Submissions (3):

Ambry Genetics
Classification: Uncertain significance for Cardiovascular phenotype. Last evaluated: 2023-04-03. Review status: criteria provided, single submitter. Criteria: Ambry Variant Classification Scheme 2023. Collection method: clinical testing. Allele origin: germline.
Comment: The p.S431R variant (also known as c.1293C>G), located in coding exon 8 of the TBX1 gene, results from a C to G substitution at nucleotide position 1293. The serine at codon 431 is replaced by arginine, an amino acid with dissimilar properties. This amino acid position is conserved. In addition, the in silico prediction for this alteration is inconclusive. Since supporting evidence is limited at this time, the clinical significance of this alteration remains unclear.

Labcorp Genetics (formerly Invitae), Labcorp
Classification: Uncertain significance for DiGeorge syndrome. Last evaluated: 2021-07-22. Review status: criteria provided, single submitter. Criteria: Invitae Variant Classification Sherloc (09022015). Collection method: clinical testing. Allele origin: germline.
Comment: Algorithms developed to predict the effect of missense changes on protein structure and function are either unavailable or do not agree on the potential impact of this missense change (SIFT: "Deleterious"; PolyPhen-2: "Benign"; Align-GVGD: "Class C0"). In summary, the available evidence is currently insufficient to determine the role of this variant in disease. Therefore, it has been classified as a Variant of Uncertain Significance. This variant has not been reported in the literature in individuals affected with TBX1-related conditions. This variant is not present in population databases (ExAC no frequency). This sequence change replaces serine with arginine at codon 431 of the TBX1 protein (p.Ser431Arg). The serine residue is weakly conserved and there is a moderate physicochemical difference between serine and arginine.

Revvity Omics, Revvity
Classification: Uncertain significance. Last evaluated: 2019-09-10. Review status: criteria provided, single submitter. Criteria: ACMG Guidelines, 2015. Collection method: clinical testing. Allele origin: germline.